The following is an entry in ClinVar:

NM_014687.4(RUBCN):c.2862C>T (p.Tyr954=)

Gene: RUBCN (rubicon autophagy regulator; minus strand). Cytogenetic location: 3q29.
Variant type: single nucleotide variant.
Coding change: c.2862C>T on transcript NM_014687.4 (MANE Select); coding-DNA position 2862, C replaced by T.
Protein change: p.Tyr954=; no amino-acid change (tyrosine 954 retained).
Molecular consequence: synonymous variant.
Genome position (GRCh38, 1-based): chr3:197,675,075, G>A on the plus strand (C>T on the coding strand, the complement: RUBCN is on the minus strand). VCF-style: chr3-197675075-G-A. GRCh37 (hg19) VCF-style: chr3-197401946-G-A.
Other names: c.2727C>T, p.Tyr909= (NM_001145642.5); c.2979C>T, p.Tyr993= (NM_001346873.2).
Identifiers: ClinVar variation 3044830 (VCV003044830.5), dbSNP rs369069485, ClinGen allele CA2786411.
Genomic context (GRCh38, chr3:197,675,075, plus strand): 5'-TCTTCAGGTGGCCTCCAGGACGGCGGCTTCCAGGGCCAGCGCTTCCGCGGGCTCCTCCTC[G>A]TAGTCTGACAGGTAAGACTCCAGGCTCTGCCTGGCCAGTGCCTCCCGCCGGGCCTGCAGC-3'
Protein context (NP_055502.1, residues 944-964): RQSLESYLSD[Tyr954=]EEEPAEALAL

ClinVar aggregate classification (germline): Likely benign. Review status: criteria provided, multiple submitters, no conflicts (2 of 4 stars). 3 submissions from 3 submitters: Likely benign (2). 1 of the submissions does not count toward it. Last evaluated 2026-04-01.

Conditions:
RUBCN-related disorder. Also called: RUBCN-related condition.

Allele frequency attached by ClinVar (database versions not stated): ESP Exome Variant Server 0.00016; TOPMed 0.00027; ExAC 0.00029; 1000 Genomes Project 30x 0.00031; gnomAD 0.00031; gnomAD exomes 0.00034; 1000 Genomes Project 0.00040.
gnomAD v4.1: 543 of 1,613,384 alleles (0.034%); highest among the groups gnomAD compares: South Asian, 0.049%; no homozygotes.

Submissions (3):

CeGaT Center for Human Genetics Tuebingen
Classification: Likely benign. Last evaluated: 2026-04-01. Review status: criteria provided, single submitter. Criteria: CeGaT Center For Human Genetics Tuebingen Variant Classification Criteria Version 2. Collection method: clinical testing. Allele origin: germline. Affected: yes. Observed: 1 variant allele.
Comment: RUBCN: BP4, BP7

Women's Health and Genetics/Laboratory Corporation of America, LabCorp
Classification: Likely benign. Last evaluated: 2025-12-09. Review status: criteria provided, single submitter. Criteria: LabCorp Variant Classification Summary - May 2015. Collection method: clinical testing. Allele origin: germline.

PreventionGenetics, part of Exact Sciences
Classification: Likely benign for RUBCN-related condition. Last evaluated: 2019-06-11. Review status: no assertion criteria provided. Collection method: clinical testing. Allele origin: germline. Not counted in ClinVar's aggregate classification.
Comment: This variant is classified as likely benign based on ACMG/AMP sequence variant interpretation guidelines (Richards et al. 2015 PMID: 25741868, with internal and published modifications).